The following is an entry in ClinVar:

ClinVar aggregate classification (germline): Uncertain significance (1 of 4 stars; one submission).

Conditions:
Catecholaminergic polymorphic ventricular tachycardia (CVPT). Also called: Catecholamine-induced polymorphic ventricular tachycardia. Identifiers: Orphanet 3286, MedGen C5574922, MONDO:0017990.

Submission:

All of Us Research Program, National Institutes of Health
Classification: Uncertain significance for Catecholaminergic polymorphic ventricular tachycardia. Last evaluated: 2023-08-15. Review status: criteria provided, single submitter. Criteria: ACMG Guidelines, 2015. Collection method: clinical testing. Allele origin: germline. Inheritance: Autosomal dominant inheritance. Observed: 1 variant allele, 1 heterozygote.
Comment: This missense variant replaces proline with threonine at codon 3544 of the RYR2 protein. Computational prediction suggests that this variant may have deleterious impact on protein structure and function (internally defined REVEL score threshold >= 0.7, PMID: 27666373). To our knowledge, functional studies have not been reported for this variant. This variant has not been reported in individuals affected with RYR2-related disorders in the literature. This variant has not been identified in the general population by the Genome Aggregation Database (gnomAD). The available evidence is insufficient to determine the role of this variant in disease conclusively. Therefore, this variant is classified as a Variant of Uncertain Significance.

This study involves interpretation of variants in research participants for the purpose of population health screening. Participant phenotype was not available at the time of variant classification. Additional details can be found in publication PMID: 35346344, PMCID: PMC8962531

NM_001035.3(RYR2):c.10630C>A (p.Pro3544Thr)

Gene: RYR2 (ryanodine receptor 2; plus strand). Cytogenetic location: 1q43.
Variant type: single nucleotide variant.
Coding change: c.10630C>A on transcript NM_001035.3 (MANE Select); coding-DNA position 10630, C replaced by A.
Protein change: p.Pro3544Thr; replaces proline 3544 with threonine.
Molecular consequence: missense variant.
Genome position (GRCh38, 1-based): chr1:237,723,203, C>A. VCF-style: chr1-237723203-C-A. GRCh37 (hg19) VCF-style: chr1-237886503-C-A.
Other names: short protein forms P3544T.
Identifiers: ClinVar variation 3072786 (VCV003072786.1), dbSNP rs2547479250, ClinGen allele CA345416133.